The following is an entry in ClinVar:

NM_002529.4(NTRK1):c.612G>A (p.Ser204=)

Gene: NTRK1 (neurotrophic receptor tyrosine kinase 1; plus strand). Cytogenetic location: 1q23.1.
Variant type: single nucleotide variant.
Coding change: c.612G>A on transcript NM_002529.4 (MANE Select); coding-DNA position 612, G replaced by A.
Protein change: p.Ser204=; no amino-acid change (serine 204 retained).
Molecular consequence: synonymous variant.
Genome position (GRCh38, 1-based): chr1:156,868,542, G>A. VCF-style: chr1-156868542-G-A. GRCh37 (hg19) VCF-style: chr1-156838334-G-A.
Other names: p.Ser204=; c.522G>A, p.Ser174= (NM_001007792.1); c.612G>A, p.Ser204= (NM_001012331.2); c.612G>A (NM_002529.3).
Identifiers: ClinVar variation 385060 (VCV000385060.52), dbSNP rs114320051, ClinGen allele CA1169056.
Genomic context (GRCh38, chr1:156,868,542, plus strand): 5'-CCTCGGGCGTCCTGGGTGGCCAGGTGTGCCCACGCTGAAGGTCCAGGTGCCCAATGCCTC[G>A]GTGGATGTGGGGGACGACGTGCTGCTGCGGTGCCAGGTGGAGGGGCGGGGCCTGGAGCAG-3'
Protein context (NP_002520.2, residues 194-214): PTLKVQVPNA[Ser204=]VDVGDDVLLR

ClinVar aggregate classification (germline): Benign/Likely benign. Review status: criteria provided, multiple submitters, no conflicts (2 of 4 stars). 12 submissions from 12 submitters: Benign (1); Likely benign (9). 2 of the submissions do not count toward it. Last evaluated 2026-01-28.

Conditions:
Hereditary insensitivity to pain with anhidrosis (CIPA). Also called: hereditary sensory and autonomic neuropathy type 4; INSENSITIVITY TO PAIN, CONGENITAL, WITH ANHIDROSIS; HSAN Type IV; NTRK1 Congenital Insensitivity to Pain with Anhidrosis; NEUROPATHY, CONGENITAL SENSORY, WITH ANHIDROSIS; FAMILIAL DYSAUTONOMIA, TYPE II. Identifiers: Orphanet 642, MedGen C0020074, MONDO:0009746, OMIM 256800.
Inborn genetic diseases. Identifiers: MedGen C0950123, MeSH D030342.
NTRK1-related disorder. Also called: NTRK1-related condition.

Allele frequency attached by ClinVar (database versions not stated): gnomAD exomes 0.00061; ExAC 0.00180; ESP Exome Variant Server 0.00194; 1000 Genomes Project 30x 0.00219; gnomAD 0.00236 and 0.00251; 1000 Genomes Project 0.00240; TOPMed 0.00240.
gnomAD v4.1: 822 of 1,558,648 alleles (0.053%); highest among the groups gnomAD compares: African/African-American, 0.76%; 4 homozygotes.

Submissions (12):

Labcorp Genetics (formerly Invitae), Labcorp
Classification: Benign for Hereditary insensitivity to pain with anhidrosis. Last evaluated: 2026-01-28. Review status: criteria provided, single submitter. Criteria: Invitae Variant Classification Sherloc (09022015). Collection method: clinical testing. Allele origin: germline.

Mayo Clinic Laboratories, Mayo Clinic
Classification: Likely benign. Last evaluated: 2025-10-01. Review status: criteria provided, single submitter. Criteria: ACMG Guidelines, 2015. Collection method: clinical testing. Allele origin: germline. Observed: 1 variant allele.
Comment: BS1, BP4, BP7

Women's Health and Genetics/Laboratory Corporation of America, LabCorp
Classification: Likely benign. Last evaluated: 2025-07-07. Review status: criteria provided, single submitter. Criteria: LabCorp Variant Classification Summary - May 2015. Collection method: clinical testing. Allele origin: germline.

CeGaT Center for Human Genetics Tuebingen
Classification: Likely benign. Last evaluated: 2025-07-01. Review status: criteria provided, single submitter. Criteria: CeGaT Center For Human Genetics Tuebingen Variant Classification Criteria Version 2. Collection method: clinical testing. Allele origin: germline. Affected: yes. Observed: 3 variant alleles.
Comment: NTRK1: BP4, BP7

Blueprint Genetics
Classification: Likely benign. Last evaluated: 2024-07-31. Review status: criteria provided, single submitter. Criteria: ACMG Guidelines, 2015. Collection method: clinical testing. Allele origin: germline.

KCCC/NGS Laboratory, Kuwait Cancer Control Center
Classification: Likely benign for Hereditary insensitivity to pain with anhidrosis. Last evaluated: 2023-07-07. Review status: criteria provided, single submitter. Criteria: ACMG Guidelines, 2015. Collection method: clinical testing. Allele origin: germline. Affected: yes.

Genome-Nilou Lab
Classification: Likely benign for Hereditary insensitivity to pain with anhidrosis. Last evaluated: 2023-04-11. Review status: criteria provided, single submitter. Criteria: ACMG Guidelines, 2015. Collection method: clinical testing. Allele origin: germline. Affected: no.

Ambry Genetics
Classification: Likely benign for Inborn genetic diseases. Last evaluated: 2019-07-11. Review status: criteria provided, single submitter. Criteria: Ambry Variant Classification Scheme 2023. Collection method: clinical testing. Allele origin: germline.

GeneDx
Classification: Likely benign. Last evaluated: 2018-02-13. Review status: criteria provided, single submitter. Criteria: GeneDx Variant Classification (06012015). Collection method: clinical testing. Allele origin: germline. Affected: yes.
Comment: This variant is considered likely benign or benign based on one or more of the following criteria: it is a conservative change, it occurs at a poorly conserved position in the protein, it is predicted to be benign by multiple in silico algorithms, and/or has population frequency not consistent with disease.

Illumina Laboratory Services, Illumina
Classification: Likely benign for Hereditary insensitivity to pain with anhidrosis. Last evaluated: 2018-01-12. Review status: criteria provided, single submitter. Criteria: ICSL Variant Classification Criteria 13 December 2019. Collection method: clinical testing. Allele origin: germline.
Comment: This variant was observed in the ICSL laboratory as part of a predisposition screen in an ostensibly healthy population. It had not been previously curated by ICSL or reported in the Human Gene Mutation Database (HGMD: prior to June 1st, 2018), and was therefore a candidate for classification through an automated scoring system. Utilizing variant allele frequency, disease prevalence and penetrance estimates, and inheritance mode, an automated score was calculated to assess if this variant is too frequent to cause the disease. Based on the score and internal cut-off values, a variant classified as likely benign is not then subjected to further curation. The score for this variant resulted in a classification of likely benign for this disease.

PreventionGenetics, part of Exact Sciences
Classification: Benign for NTRK1-related condition. Last evaluated: 2022-08-29. Review status: no assertion criteria provided. Collection method: clinical testing. Allele origin: germline. Not counted in ClinVar's aggregate classification.
Comment: This variant is classified as benign based on ACMG/AMP sequence variant interpretation guidelines (Richards et al. 2015 PMID: 25741868, with internal and published modifications).

Natera, Inc.
Classification: Likely benign for Hereditary insensitivity to pain with anhidrosis. Last evaluated: 2019-12-06. Review status: no assertion criteria provided. Collection method: clinical testing. Allele origin: germline. Not counted in ClinVar's aggregate classification.